The following is an entry in ClinVar:

NM_004655.4(AXIN2):c.374C>T (p.Thr125Ile)

Gene: AXIN2 (axin 2; minus strand). Cytogenetic location: 17q24.1.
Variant type: single nucleotide variant.
Coding change: c.374C>T on transcript NM_004655.4 (MANE Select); coding-DNA position 374, C replaced by T.
Protein change: p.Thr125Ile; replaces threonine 125 with isoleucine.
Molecular consequence: missense variant.
Genome position (GRCh38, 1-based): chr17:65,558,247, G>A on the plus strand (C>T on the coding strand, the complement: AXIN2 is on the minus strand). VCF-style: chr17-65558247-G-A. GRCh37 (hg19) VCF-style: chr17-63554365-G-A.
Other names: c.374C>T, p.Thr125Ile (NM_001363813.1); short protein forms T125I.
Identifiers: ClinVar variation 1734546 (VCV001734546.2), dbSNP rs2144586968, ClinGen allele CA400681529.

ClinVar aggregate classification (germline): Uncertain significance (1 of 4 stars; one submission).

Conditions:
Hereditary cancer-predisposing syndrome. Also called: Neoplastic Syndromes, Hereditary; Tumor predisposition; Hereditary Cancer Syndrome; Hereditary neoplastic syndrome. Identifiers: Orphanet 140162, MedGen C0027672, MeSH D009386, MONDO:0015356.

Submission:

Ambry Genetics
Classification: Uncertain significance for Hereditary cancer-predisposing syndrome. Last evaluated: 2021-04-29. Review status: criteria provided, single submitter. Criteria: Ambry Variant Classification Scheme 2023. Collection method: clinical testing. Allele origin: germline.
Comment: The p.T125I variant (also known as c.374C>T), located in coding exon 1 of the AXIN2 gene, results from a C to T substitution at nucleotide position 374. The threonine at codon 125 is replaced by isoleucine, an amino acid with similar properties. This amino acid position is not well conserved in available vertebrate species. In addition, this alteration is predicted to be tolerated by in silico analysis. Since supporting evidence is limited at this time, the clinical significance of this alteration remains unclear.